The following is an entry in ClinVar:

ClinVar aggregate classification (germline): Conflicting classifications of pathogenicity. Review status: criteria provided, conflicting classifications (1 of 4 stars). 5 submissions from 5 submitters: Uncertain significance (1); Likely benign (4). Last evaluated 2025-11-18.

Conditions:
Bethlem myopathy 1A. Also called: Bethlem myopathy 1; Bethlem Muscular Dystrophy; MYOPATHY, BENIGN CONGENITAL, WITH CONTRACTURES. Identifiers: Orphanet 610, MedGen CN029274, MONDO:0024530, OMIM 158810.

Allele frequency attached by ClinVar (database versions not stated): ESP Exome Variant Server 0.00015; gnomAD exomes 0.00015; gnomAD 0.00016 and 0.00017; TOPMed 0.00016; ExAC 0.00017; 1000 Genomes Project 30x 0.00031; 1000 Genomes Project 0.00040.
gnomAD v4.1: 548 of 1,613,506 alleles (0.034%); highest among the groups gnomAD compares: Non-Finnish European, 0.043%; no homozygotes.

Submissions (5):

Labcorp Genetics (formerly Invitae), Labcorp
Classification: Likely benign for Bethlem myopathy 1A. Last evaluated: 2025-11-18. Review status: criteria provided, single submitter. Criteria: Invitae Variant Classification Sherloc (09022015). Collection method: clinical testing. Allele origin: germline.

Mayo Clinic Laboratories, Mayo Clinic
Classification: Likely benign. Last evaluated: 2025-10-03. Review status: criteria provided, single submitter. Criteria: ACMG Guidelines, 2015. Collection method: clinical testing. Allele origin: germline. Observed: 1 variant allele.
Comment: BP4, BP7

Blueprint Genetics
Classification: Likely benign. Last evaluated: 2023-11-24. Review status: criteria provided, single submitter. Criteria: ACMG Guidelines, 2015. Collection method: clinical testing. Allele origin: germline.

GeneDx
Classification: Likely benign. Last evaluated: 2018-05-15. Review status: criteria provided, single submitter. Criteria: GeneDx Variant Classification (06012015). Collection method: clinical testing. Allele origin: germline. Affected: yes.
Comment: This variant is considered likely benign or benign based on one or more of the following criteria: it is a conservative change, it occurs at a poorly conserved position in the protein, it is predicted to be benign by multiple in silico algorithms, and/or has population frequency not consistent with disease.

Eurofins Ntd Llc (ga)
Classification: Uncertain significance. Last evaluated: 2015-10-22. Review status: criteria provided, single submitter. Criteria: EGL Classification Definitions 2015. Collection method: clinical testing. Allele origin: germline. Observed: 1 variant allele, 1 heterozygote.

NM_001849.4(COL6A2):c.786C>G (p.Gly262=)

Gene: COL6A2 (collagen type VI alpha 2 chain; plus strand). Cytogenetic location: 21q22.3.
Variant type: single nucleotide variant.
Coding change: c.786C>G on transcript NM_001849.4 (MANE Select); coding-DNA position 786, C replaced by G.
Protein change: p.Gly262=; no amino-acid change (glycine 262 retained).
Molecular consequence: synonymous variant.
Genome position (GRCh38, 1-based): chr21:46,114,058, C>G. VCF-style: chr21-46114058-C-G. GRCh37 (hg19) VCF-style: chr21-47533972-C-G.
Other names: p.Gly262=; c.786C>G, p.Gly262= (NM_058174.3, NM_058175.3).
Identifiers: ClinVar variation 283973 (VCV000283973.19), dbSNP rs145500808, ClinGen allele CA10071454.